The following is an entry in ClinVar:

ClinVar aggregate classification (germline): Uncertain significance (1 of 4 stars; one submission).

gnomAD v4.1: 10 of 1,613,012 alleles (0.00062%); highest among the groups gnomAD compares: South Asian, 0.011%; no homozygotes.

Submission:

Labcorp Genetics (formerly Invitae), Labcorp
Classification: Uncertain significance. Last evaluated: 2026-01-08. Review status: criteria provided, single submitter. Criteria: Invitae Variant Classification Sherloc (09022015). Collection method: clinical testing. Allele origin: germline.
Comment: This sequence change replaces cysteine, which is neutral and slightly polar, with arginine, which is basic and polar, at codon 493 of the LAMB3 protein (p.Cys493Arg). This variant is present in population databases (rs762462819, gnomAD 0.006%). This variant has not been reported in the literature in individuals affected with LAMB3-related conditions. Invitae Evidence Modeling of protein sequence and biophysical properties (such as structural, functional, and spatial information, amino acid conservation, physicochemical variation, residue mobility, and thermodynamic stability) indicates that this missense variant is expected to disrupt LAMB3 protein function with a positive predictive value of 80%. In summary, the available evidence is currently insufficient to determine the role of this variant in disease. Therefore, it has been classified as a Variant of Uncertain Significance.

NM_000228.3(LAMB3):c.1477T>C (p.Cys493Arg)

Gene: LAMB3 (laminin subunit beta 3; minus strand). Cytogenetic location: 1q32.2.
Variant type: single nucleotide variant.
Coding change: c.1477T>C on transcript NM_000228.3 (MANE Select); coding-DNA position 1477, T replaced by C.
Protein change: p.Cys493Arg; replaces cysteine 493 with arginine.
Molecular consequence: missense variant.
Genome position (GRCh38, 1-based): chr1:209,627,391, A>G on the plus strand (T>C on the coding strand, the complement: LAMB3 is on the minus strand). VCF-style: chr1-209627391-A-G. GRCh37 (hg19) VCF-style: chr1-209800736-A-G.
Other names: c.1477T>C, p.Cys493Arg (NM_001017402.2, NM_001127641.1); short protein forms C493R.
Identifiers: ClinVar variation 4690783 (VCV004690783.1).